The following is an entry in ClinVar:

NM_000257.4(MYH7):c.4699C>A (p.Gln1567Lys)

Genes: MHRT (myosin heavy chain associated RNA transcript; plus strand), MYH7 (myosin heavy chain 7; minus strand), LOC126861897 (BRD4-independent group 4 enhancer GRCh37_chr14:23884455-23885654; plus strand). Cytogenetic location: 14q11.2.
Variant type: single nucleotide variant.
Coding change: c.4699C>A on transcript NM_000257.4 (MANE Select); coding-DNA position 4699, C replaced by A.
Protein change: p.Gln1567Lys; replaces glutamine 1567 with lysine.
Molecular consequence: missense variant. On other transcripts: non-coding transcript variant (1).
Genome position (GRCh38, 1-based): chr14:23,416,258, G>T on the plus strand (C>A on the coding strand, the complement: MYH7 is on the minus strand). VCF-style: chr14-23416258-G-T. GRCh37 (hg19) VCF-style: chr14-23885467-G-T.
Other names: c.4699C>A, p.Gln1567Lys (NM_001407004.1); short protein forms Q1567K.
Identifiers: ClinVar variation 3387289 (VCV003387289.1).

ClinVar aggregate classification (germline): Uncertain significance (1 of 4 stars; one submission).

Conditions:
Cardiomyopathy (CMYO). Also called: Cardiomyopathies. Identifiers: Orphanet 167848, MedGen C0878544, MONDO:0004994, HP:0001638. Inheritance: Various modes of inheritance.

Submission:

All of Us Research Program, National Institutes of Health
Classification: Uncertain significance for Cardiomyopathy. Last evaluated: 2024-04-25. Review status: criteria provided, single submitter. Criteria: ACMG Guidelines, 2015. Collection method: clinical testing. Allele origin: germline. Inheritance: Autosomal dominant inheritance. Observed: 1 variant allele, 1 heterozygote.
Comment: This missense variant replaces glutamine with lysine at codon 1567 of the MYH7 protein. Computational prediction suggests that this variant may have deleterious impact on protein structure and function (internally defined REVEL score threshold >= 0.7, PMID: 27666373). To our knowledge, functional studies have not been reported for this variant. This variant has not been reported in individuals affected with MYH7-related disorders in the literature. This variant has not been identified in the general population by the Genome Aggregation Database (gnomAD). The available evidence is insufficient to determine the role of this variant in disease conclusively. Therefore, this variant is classified as a Variant of Uncertain Significance.

This study involves interpretation of variants in research participants for the purpose of population health screening. Participant phenotype was not available at the time of variant classification. Additional details can be found in publication PMID: 35346344, PMCID: PMC8962531